The following is an entry in ClinVar:

ClinVar aggregate classification (germline): Uncertain significance (1 of 4 stars; one submission).

Allele frequency attached by ClinVar (database versions not stated): TOPMed 0.00009; gnomAD exomes 0.00010; ExAC 0.00011; gnomAD 0.00012; ESP Exome Variant Server 0.00015.
gnomAD v4.1: 153 of 1,613,916 alleles (0.0095%); highest among the groups gnomAD compares: Admixed American, 0.022%; no homozygotes.

Submission:

Labcorp Genetics (formerly Invitae), Labcorp
Classification: Uncertain significance. Last evaluated: 2026-01-26. Review status: criteria provided, single submitter. Criteria: Invitae Variant Classification Sherloc (09022015). Collection method: clinical testing. Allele origin: germline.
Comment: This sequence change replaces threonine, which is neutral and polar, with methionine, which is neutral and non-polar, at codon 149 of the NIN protein (p.Thr149Met). This variant is present in population databases (rs369882346, gnomAD 0.03%). This variant has not been reported in the literature in individuals affected with NIN-related conditions. ClinVar contains an entry for this variant (Variation ID: 2176775). An algorithm developed to predict the effect of missense changes on protein structure and function outputs the following: PolyPhen-2: "Benign". The methionine amino acid residue is found in multiple mammalian species, which suggests that this missense change does not adversely affect protein function. In summary, the available evidence is currently insufficient to determine the role of this variant in disease. Therefore, it has been classified as a Variant of Uncertain Significance.

NM_020921.4(NIN):c.446C>T (p.Thr149Met)

Gene: NIN (ninein; minus strand). Cytogenetic location: 14q22.1.
Variant type: single nucleotide variant.
Coding change: c.446C>T on transcript NM_020921.4 (MANE Select); coding-DNA position 446, C replaced by T.
Protein change: p.Thr149Met; replaces threonine 149 with methionine.
Molecular consequence: missense variant.
Genome position (GRCh38, 1-based): chr14:50,778,794, G>A on the plus strand (C>T on the coding strand, the complement: NIN is on the minus strand). VCF-style: chr14-50778794-G-A. GRCh37 (hg19) VCF-style: chr14-51245512-G-A.
Other names: c.446C>T, p.Thr149Met (NM_016350.5, NM_182944.3, NM_182946.2); short protein forms T149M.
Identifiers: ClinVar variation 2176775 (VCV002176775.4), dbSNP rs369882346, ClinGen allele CA7182469.